The following is an entry in ClinVar:

ClinVar aggregate classification (germline): Pathogenic. Review status: reviewed by expert panel (3 of 4 stars). 2 submissions from 2 submitters: Pathogenic (1). 1 of the submissions does not count toward it. Last evaluated 2016-10-18.

Conditions:
Breast-ovarian cancer, familial, susceptibility to, 1 (BROVCA1). Also called: BRCA1 Hereditary Breast and Ovarian Cancer; OVARIAN CANCER, SUSCEPTIBILITY TO. Identifiers: Orphanet 145, MedGen C2676676, MONDO:0011450, OMIM 604370. Disease mechanism: loss of function.

Submissions (2):

Evidence-based Network for the Interpretation of Germline Mutant Alleles (ENIGMA)
Classification: Pathogenic for Breast-ovarian cancer, familial, susceptibility to, 1. Last evaluated: 2016-10-18. Review status: reviewed by expert panel. Criteria: ENIGMA BRCA1/2 Classification Criteria (2015). Collection method: curation. Allele origin: germline.
Comment: Variant allele predicted to encode a truncated non-functional protein.

Consortium of Investigators of Modifiers of BRCA1/2 (CIMBA), c/o University of Cambridge
Classification: Pathogenic for Breast-ovarian cancer, familial, susceptibility to, 1. Last evaluated: 2015-10-02. Review status: criteria provided, single submitter. Criteria: CIMBA Mutation Classification guidelines May 2016. Collection method: clinical testing. Allele origin: germline. Not counted in ClinVar's aggregate classification.

NM_007294.4(BRCA1):c.1273dup (p.Ser425fs)

Gene: BRCA1 (BRCA1 DNA repair associated; minus strand). Cytogenetic location: 17q21.31.
Variant type: Duplication.
Coding change: c.1273dup on transcript NM_007294.4 (MANE Select); coding-DNA position 1273, one base duplicated (T; older notation c.1273dupT).
Protein change: p.Ser425fs; shifts the reading frame from serine 425.
Molecular consequence: frameshift variant. On other transcripts: intron variant (137).
Genome position (GRCh38, 1-based): chr17:43,094,258, A duplicated on the plus strand (T on the coding strand, the reverse complement: BRCA1 is on the minus strand); the first of 2 consecutive A bases (chr17:43,094,258-43,094,259); duplicating either gives the same sequence. VCF-style (leftmost placement, unchanged base first): chr17-43094257-G-GA. GRCh37 (hg19) VCF-style: chr17-41246274-G-GA.
Other names: 1392dupT; c.1273dup, p.Ser425fs (NM_007294.3, NM_001407581.1, NM_001407582.1 and 31 more transcripts); c.1060dup, p.Ser354fs (NM_001407571.1, NM_001407853.1, NM_001407894.1 and 9 more transcripts); c.1270dup, p.Ser424fs (NM_001407587.1, NM_001407590.1, NM_001407611.1 and 22 more transcripts); c.1264dup, p.Ser422fs (NM_001407646.1, NM_001407647.1); c.1150dup, p.Ser384fs (NM_001407648.1, NM_001407664.1, NM_001407665.1 and 19 more transcripts); c.1147dup, p.Ser383fs (NM_001407649.1, NM_001407670.1, NM_001407671.1 and 11 more transcripts); c.1195dup, p.Ser399fs (NM_001407653.1, NM_001407654.1, NM_001407655.1 and 4 more transcripts); and 41 more; short protein forms S378fs, S425fs, S297fs, S314fs, S358fs, S399fs, S422fs, S129fs.
Identifiers: ClinVar variation 266151 (VCV000266151.6), dbSNP rs886039938, ClinGen allele CA10589953.
Genomic context (GRCh38, chr17:43,094,257, plus strand): 5'-TCACTTTTACATATTAAAGCCTCATGAGGATCACTGGCCAGTAAGTCTATTTTCTCTGAA[G>GA]AACCAGAATATTCATCTACCTCATTTAGAACGTCCAATACATCAGCTACTTTGGCATTTG-3'